The following is an entry in ClinVar:

ClinVar aggregate classification (germline): Likely benign (1 of 4 stars; one submission).

Allele frequency attached by ClinVar (database versions not stated): gnomAD exomes 0.00108; gnomAD 0.01213 and 0.01295; 1000 Genomes Project 30x 0.01249; 1000 Genomes Project 0.01318; TOPMed 0.01346.
gnomAD v4.1: 2,379 of 623,222 alleles (0.38%); highest among the groups gnomAD compares: African/African-American, 4.1%; 45 homozygotes.

Submission:

GeneDx
Classification: Likely benign. Last evaluated: 2018-06-16. Review status: criteria provided, single submitter. Criteria: GeneDx Variant Classification (06012015). Collection method: clinical testing. Allele origin: germline. Affected: yes.
Comment: This variant is considered likely benign or benign based on one or more of the following criteria: it is a conservative change, it occurs at a poorly conserved position in the protein, it is predicted to be benign by multiple in silico algorithms, and/or has population frequency not consistent with disease.

NM_025114.4(CEP290):c.251-93A>G

Gene: CEP290 (centrosomal protein 290; minus strand). Cytogenetic location: 12q21.32.
Variant type: single nucleotide variant.
Coding change: c.251-93A>G on transcript NM_025114.4 (MANE Select); 93 bases into the intron before coding-DNA position 251, A replaced by G.
Molecular consequence: intron variant.
Genome position (GRCh38, 1-based): chr12:88,139,284, T>C on the plus strand (A>G on the coding strand, the complement: CEP290 is on the minus strand). VCF-style: chr12-88139284-T-C. GRCh37 (hg19) VCF-style: chr12-88533061-T-C.
Identifiers: ClinVar variation 675581 (VCV000675581.1), dbSNP rs111437173, ClinGen allele CA241167129.